The following is an entry in ClinVar:

ClinVar aggregate classification (germline): Uncertain significance (1 of 4 stars; one submission).

Conditions:
PKD1-related disorder. Also called: PKD1-related condition.

gnomAD v4.1: 1 of 1,601,062 alleles (0.000062%); highest among the groups gnomAD compares: African/African-American, 0.0013%; no homozygotes.

Submission:

PreventionGenetics, part of Exact Sciences
Classification: Uncertain significance for PKD1-related condition. Last evaluated: 2026-02-19. Review status: criteria provided, single submitter. Criteria: ACMG Guidelines, 2015. Collection method: clinical testing. Allele origin: germline.
Comment: The PKD1 c.6233A>C variant is predicted to result in the amino acid substitution p.Gln2078Pro. To our knowledge, this variant has not been reported in the literature or in a large population database (gnomAD), indicating this variant is rare. At this time, the clinical significance of this variant is uncertain due to the absence of conclusive functional and genetic evidence.

NM_001009944.3(PKD1):c.6233A>C (p.Gln2078Pro)

Gene: PKD1 (polycystin 1, transient receptor potential channel interacting; minus strand). Cytogenetic location: 16p13.3.
Variant type: single nucleotide variant.
Coding change: c.6233A>C on transcript NM_001009944.3 (MANE Select); coding-DNA position 6233, A replaced by C.
Protein change: p.Gln2078Pro; replaces glutamine 2078 with proline.
Molecular consequence: missense variant.
Genome position (GRCh38, 1-based): chr16:2,108,934, T>G on the plus strand (A>C on the coding strand, the complement: PKD1 is on the minus strand). VCF-style: chr16-2108934-T-G. GRCh37 (hg19) VCF-style: chr16-2158935-T-G.
Other names: c.6233A>C, p.Gln2078Pro (NM_000296.4); short protein forms Q2078P.
Identifiers: ClinVar variation 4981181 (VCV004981181.1).